The following is an entry in ClinVar:

NM_032279.4(ATP13A4):c.27C>T (p.His9=)

Genes: ATP13A4 (ATPase 13A4; minus strand), ATP13A4-AS1 (ATP13A4 antisense RNA 1; plus strand). Cytogenetic location: 3q29.
Variant type: single nucleotide variant.
Coding change: c.27C>T on transcript NM_032279.4 (MANE Select); coding-DNA position 27, C replaced by T.
Protein change: p.His9=; no amino-acid change (histidine 9 retained).
Molecular consequence: synonymous variant. On other transcripts: non-coding transcript variant (2).
Genome position (GRCh38, 1-based): chr3:193,554,773, G>A on the plus strand (C>T on the coding strand, the complement: ATP13A4 is on the minus strand). VCF-style: chr3-193554773-G-A. GRCh37 (hg19) VCF-style: chr3-193272562-G-A.
Identifiers: ClinVar variation 3053520 (VCV003053520.2), dbSNP rs377336422, ClinGen allele CA2758859.
Genomic context (GRCh38, chr3:193,554,773, plus strand): 5'-AAGAAGGGAATGTGGCTAGAATCTTACCATCTCATTCTCTTCTCCTTCATTGAGCAGAGC[G>A]TGCTGGCCCTTCTCAAAGTGTCCCATGAAAAAGTTATTCCACACCTCCTCCCTGACCTTG-3'
Protein context (NP_115655.2, residues 1-19): MGHFEKGQ[His9=]ALLNEGEENE

ClinVar aggregate classification (germline): Likely benign (0 of 4 stars; one submission).

Conditions:
ATP13A4-related disorder. Also called: ATP13A4-related condition.

Allele frequency attached by ClinVar (database versions not stated): gnomAD 0.00002; ESP Exome Variant Server 0.00008; TOPMed 0.00010; ExAC 0.00017.
gnomAD v4.1: 71 of 1,613,798 alleles (0.0044%); highest among the groups gnomAD compares: Admixed American, 0.062%; no homozygotes.

Submission:

PreventionGenetics, part of Exact Sciences
Classification: Likely benign for ATP13A4-related condition. Last evaluated: 2019-09-05. Review status: no assertion criteria provided. Collection method: clinical testing. Allele origin: germline.
Comment: This variant is classified as likely benign based on ACMG/AMP sequence variant interpretation guidelines (Richards et al. 2015 PMID: 25741868, with internal and published modifications).